The following is an entry in ClinVar:

NM_177438.3(DICER1):c.482A>G (p.Asn161Ser)

Gene: DICER1 (dicer 1, ribonuclease III; minus strand). Cytogenetic location: 14q32.13.
Variant type: single nucleotide variant.
Coding change: c.482A>G on transcript NM_177438.3 (MANE Select); coding-DNA position 482, A replaced by G.
Protein change: p.Asn161Ser; replaces asparagine 161 with serine.
Molecular consequence: missense variant.
Genome position (GRCh38, 1-based): chr14:95,130,149, T>C on the plus strand (A>G on the coding strand, the complement: DICER1 is on the minus strand). VCF-style: chr14-95130149-T-C. GRCh37 (hg19) VCF-style: chr14-95596486-T-C.
Other names: c.482A>G, p.Asn161Ser (NM_001195573.1, NM_001271282.3, NM_001291628.2 and 1 more transcripts); short protein forms N161S.
Identifiers: ClinVar variation 825213 (VCV000825213.4), dbSNP rs1595459165, ClinGen allele CA390888523.

ClinVar aggregate classification (germline): Uncertain significance (1 of 4 stars; one submission).

Conditions:
Hereditary cancer-predisposing syndrome. Also called: Neoplastic Syndromes, Hereditary; Tumor predisposition; Hereditary neoplastic syndrome; Hereditary Cancer Syndrome. Identifiers: Orphanet 140162, MedGen C0027672, MeSH D009386, MONDO:0015356.

Submission:

Ambry Genetics
Classification: Uncertain significance for Hereditary cancer-predisposing syndrome. Last evaluated: 2019-04-09. Review status: criteria provided, single submitter. Criteria: Ambry Variant Classification Scheme 2023. Collection method: clinical testing. Allele origin: germline.
Comment: The p.N161S variant (also known as c.482A>G), located in coding exon 4 of the DICER1 gene, results from an A to G substitution at nucleotide position 482. The asparagine at codon 161 is replaced by serine, an amino acid with highly similar properties. This amino acid position is well conserved in available vertebrate species. In addition, this alteration is predicted to be tolerated by in silico analysis. Since supporting evidence is limited at this time, the clinical significance of this alteration remains unclear.